The following is an entry in ClinVar:

NM_032888.4(COL27A1):c.334G>A (p.Ala112Thr)

Gene: COL27A1 (collagen type XXVII alpha 1 chain; plus strand). Cytogenetic location: 9q32.
Variant type: single nucleotide variant.
Coding change: c.334G>A on transcript NM_032888.4 (MANE Select); coding-DNA position 334, G replaced by A.
Protein change: p.Ala112Thr; replaces alanine 112 with threonine.
Molecular consequence: missense variant.
Genome position (GRCh38, 1-based): chr9:114,167,889, G>A. VCF-style: chr9-114167889-G-A. GRCh37 (hg19) VCF-style: chr9-116930169-G-A.
Other names: short protein forms A112T.
Identifiers: ClinVar variation 1370496 (VCV001370496.6), dbSNP rs2135071428, ClinGen allele CA374589373.

ClinVar aggregate classification (germline): Uncertain significance (1 of 4 stars; one submission).

Submission:

Labcorp Genetics (formerly Invitae), Labcorp
Classification: Uncertain significance. Last evaluated: 2021-07-28. Review status: criteria provided, single submitter. Criteria: Invitae Variant Classification Sherloc (09022015). Collection method: clinical testing. Allele origin: germline.
Comment: Advanced modeling of protein sequence and biophysical properties (such as structural, functional, and spatial information, amino acid conservation, physicochemical variation, residue mobility, and thermodynamic stability) performed at Invitae indicates that this missense variant is not expected to disrupt COL27A1 protein function. This sequence change replaces alanine with threonine at codon 112 of the COL27A1 protein (p.Ala112Thr). The alanine residue is highly conserved and there is a small physicochemical difference between alanine and threonine. This variant is not present in population databases (ExAC no frequency). This variant has not been reported in the literature in individuals affected with COL27A1-related conditions. In summary, the available evidence is currently insufficient to determine the role of this variant in disease. Therefore, it has been classified as a Variant of Uncertain Significance.